The following is an entry in ClinVar:

ClinVar aggregate classification (germline): Uncertain significance. Review status: criteria provided, multiple submitters, no conflicts (2 of 4 stars). 2 submissions from 2 submitters: Uncertain significance (2). Last evaluated 2025-12-24.

gnomAD v4.1: 12 of 1,509,574 alleles (0.00079%); highest among the groups gnomAD compares: Non-Finnish European, 0.0011%; no homozygotes.

Submissions (2):

Labcorp Genetics (formerly Invitae), Labcorp
Classification: Uncertain significance. Last evaluated: 2025-12-24. Review status: criteria provided, single submitter. Criteria: Invitae Variant Classification Sherloc (09022015). Collection method: clinical testing. Allele origin: germline.
Comment: This sequence change replaces leucine, which is neutral and non-polar, with phenylalanine, which is neutral and non-polar, at codon 343 of the IL12RB2 protein (p.Leu343Phe). This variant is present in population databases (rs755553813, gnomAD 0.002%). This variant has not been reported in the literature in individuals affected with IL12RB2-related conditions. ClinVar contains an entry for this variant (Variation ID: 3528529). An algorithm developed to predict the effect of missense changes on protein structure and function (PolyPhen-2) suggests that this variant is likely to be disruptive. In summary, the available evidence is currently insufficient to determine the role of this variant in disease. Therefore, it has been classified as a Variant of Uncertain Significance.

Ambry Genetics
Classification: Uncertain significance. Last evaluated: 2024-12-07. Review status: criteria provided, single submitter. Criteria: Ambry Variant Classification Scheme 2023. Collection method: clinical testing. Allele origin: germline.

NM_001374259.2(IL12RB2):c.1027C>T (p.Leu343Phe)

Gene: IL12RB2 (interleukin 12 receptor subunit beta 2; plus strand). Cytogenetic location: 1p31.3.
Variant type: single nucleotide variant.
Coding change: c.1027C>T on transcript NM_001374259.2 (MANE Select); coding-DNA position 1027, C replaced by T.
Protein change: p.Leu343Phe; replaces leucine 343 with phenylalanine.
Molecular consequence: missense variant. On other transcripts: non-coding transcript variant (2).
Genome position (GRCh38, 1-based): chr1:67,338,692, C>T. VCF-style: chr1-67338692-C-T. GRCh37 (hg19) VCF-style: chr1-67804375-C-T.
Other names: c.1027C>T, p.Leu343Phe (NM_001258214.1, NM_001258215.1, NM_001258216.1 and 2 more transcripts); short protein forms L343F.
Identifiers: ClinVar variation 3528529 (VCV003528529.2).